The following is an entry in ClinVar:

ClinVar aggregate classification (germline): Pathogenic (1 of 4 stars; one submission).

Submission:

Labcorp Genetics (formerly Invitae), Labcorp
Classification: Pathogenic. Last evaluated: 2025-09-24. Review status: criteria provided, single submitter. Criteria: Invitae Variant Classification Sherloc (09022015). Collection method: clinical testing. Allele origin: germline.
Comment: This sequence change creates a premature translational stop signal (p.Met401Valfs*82) in the SLC19A2 gene. While this is not anticipated to result in nonsense mediated decay, it is expected to disrupt the last 97 amino acid(s) of the SLC19A2 protein. This variant is present in population databases (no rsID available, gnomAD 0.0009%). This premature translational stop signal has been observed in individual(s) with thiamine-responsive megaloblastic anaemia syndrome (PMID: 29450569). This variant disrupts a region of the SLC19A2 protein in which other variant(s) (p.Leu457*) have been determined to be pathogenic (PMID: 23289844). This suggests that this is a clinically significant region of the protein, and that variants that disrupt it are likely to be disease-causing. For these reasons, this variant has been classified as Pathogenic.

Literature cited by the submitters: PubMed 29450569; PubMed 23289844.

NM_006996.3(SLC19A2):c.1201_1202del (p.Met401fs)

Gene: SLC19A2 (solute carrier family 19 member 2; minus strand). Cytogenetic location: 1q24.2.
Variant type: Deletion.
Coding change: c.1201_1202del on transcript NM_006996.3 (MANE Select); coding-DNA positions 1201 to 1202, 2 bases deleted (AT; older notation c.1201_1202delAT).
Protein change: p.Met401fs; shifts the reading frame from methionine 401.
Molecular consequence: frameshift variant.
Genome position (GRCh38, 1-based): chr1:169,468,665-169,468,666, AT deleted on the plus strand (AT on the coding strand, the reverse complement: SLC19A2 is on the minus strand). VCF-style (leftmost placement, unchanged base first): chr1-169468664-CAT-C. GRCh37 (hg19) VCF-style: chr1-169437902-CAT-C.
Other names: c.598_599del, p.Met200fs (NM_001319667.1); short protein forms M401fs, M200fs.
Identifiers: ClinVar variation 4751036 (VCV004751036.1).
Genomic context (GRCh38, chr1:169,468,664, plus strand): 5'-TACAATTTTTCCTAAGGCTTCTATGAGCCAAAATACATACGTTGCTATCGTGATGAGTAA[CAT>C]GTAGATGATTCTGAAGACAACATAGGATGCATAGCACACCCAAATGTTACCCACAGTGTC-3'